The following is an entry in ClinVar:

ClinVar aggregate classification (germline): Uncertain significance (1 of 4 stars; one submission).

Conditions:
Rhabdoid tumor predisposition syndrome 2 (RTPS2). Identifiers: Orphanet 231108, Orphanet 69077, MedGen C2750074, MONDO:0013224, OMIM 613325.

Submission:

Labcorp Genetics (formerly Invitae), Labcorp
Classification: Uncertain significance for Rhabdoid tumor predisposition syndrome 2. Last evaluated: 2025-12-09. Review status: criteria provided, single submitter. Criteria: Invitae Variant Classification Sherloc (09022015). Collection method: clinical testing. Allele origin: germline.
Comment: This sequence change replaces glycine, which is neutral and non-polar, with arginine, which is basic and polar, at codon 1394 of the SMARCA4 protein (p.Gly1394Arg). This variant is not present in population databases (gnomAD no frequency). This variant has not been reported in the literature in individuals affected with SMARCA4-related conditions. ClinVar contains an entry for this variant (Variation ID: 2884769). An algorithm developed to predict the effect of missense changes on protein structure and function outputs the following: PolyPhen-2: "Benign". The arginine amino acid residue is found in multiple mammalian species, which suggests that this missense change does not adversely affect protein function. In summary, the available evidence is currently insufficient to determine the role of this variant in disease. Therefore, it has been classified as a Variant of Uncertain Significance.

NM_001387283.1(SMARCA4):c.4180G>C (p.Gly1394Arg)

Gene: SMARCA4 (SWI/SNF related BAF chromatin remodeling complex subunit ATPase 4; plus strand). Cytogenetic location: 19p13.2.
Variant type: single nucleotide variant.
Coding change: c.4180G>C on transcript NM_001387283.1 (MANE Plus Clinical); coding-DNA position 4180, G replaced by C.
Protein change: p.Gly1394Arg; replaces glycine 1394 with arginine.
Molecular consequence: missense variant. On other transcripts: intron variant (7).
Genome position (GRCh38, 1-based): chr19:11,039,467, G>C. VCF-style: chr19-11039467-G-C. GRCh37 (hg19) VCF-style: chr19-11150143-G-C.
Other names: c.4180G>C, p.Gly1394Arg (NM_001128849.3); c.4081G>C, p.Gly1361Arg (NM_001411150.1); c.4171-1840G>C (NM_001128844.3, NM_003072.5); c.4072-1840G>C (NM_001128847.4, NM_001374457.1, NM_001128848.2); c.4072-1831G>C (NM_001128845.2, NM_001128846.2); short protein forms G1361R, G1394R.
Identifiers: ClinVar variation 2884769 (VCV002884769.3), dbSNP rs2515440902, ClinGen allele CA404071080.